The following is an entry in ClinVar:

ClinVar aggregate classification (germline): Likely pathogenic (1 of 4 stars; one submission).

Conditions:
Dilated cardiomyopathy 1G (CMD1G). Identifiers: Orphanet 154, MedGen C1858763, MONDO:0011400, OMIM 604145.
Autosomal recessive limb-girdle muscular dystrophy type 2J (LGMDR10). Also called: Limb-girdle muscular dystrophy, type 2J; MUSCULAR DYSTROPHY, LIMB-GIRDLE, AUTOSOMAL RECESSIVE 10. Identifiers: Orphanet 140922, MedGen C1837342, MONDO:0012127, OMIM 608807.

Submission:

Labcorp Genetics (formerly Invitae), Labcorp
Classification: Likely pathogenic for Dilated cardiomyopathy 1G; Autosomal recessive limb-girdle muscular dystrophy type 2J. Last evaluated: 2024-10-02. Review status: criteria provided, single submitter. Criteria: Invitae Variant Classification Sherloc (09022015). Collection method: clinical testing. Allele origin: germline.
Comment: This sequence change creates a premature translational stop signal (p.Gly29817Aspfs*6) in the TTN gene. While this is not anticipated to result in nonsense mediated decay, it is expected to create a truncated TTN protein. This variant is not present in population databases (gnomAD no frequency). This variant has not been reported in the literature in individuals affected with TTN-related conditions. This variant is located in the A band of TTN (PMID: 25589632). Truncating variants in this region are significantly overrepresented in patients affected with dilated cardiomyopathy (PMID: 25589632). Truncating variants in this region have also been reported in individuals affected with autosomal recessive centronuclear myopathy (PMID: 23975875). In summary, the currently available evidence indicates that the variant is pathogenic, but additional data are needed to prove that conclusively. Therefore, this variant has been classified as Likely Pathogenic.

Literature cited by the submitters: PubMed 25589632; PubMed 23975875.

NM_001267550.2(TTN):c.89448del (p.Gly29817fs)

Genes: TTN (titin; minus strand), TTN-AS1 (TTN antisense RNA 1; plus strand). Cytogenetic location: 2q31.2.
Variant type: Deletion.
Coding change: c.89448del on transcript NM_001267550.2 (MANE Select); coding-DNA position 89448, one base deleted (T; older notation c.89448delT).
Protein change: p.Gly29817fs; shifts the reading frame from glycine 29817.
Molecular consequence: frameshift variant.
Genome position (GRCh38, 1-based): chr2:178,553,557, A deleted on the plus strand (T on the coding strand, the reverse complement: TTN is on the minus strand). VCF-style (leftmost placement, unchanged base first): chr2-178553556-CA-C. GRCh37 (hg19) VCF-style: chr2-179418283-CA-C.
Other names: c.84525del, p.Gly28176fs (NM_001256850.1); c.62253del, p.Gly20752fs (NM_003319.4); c.81744del, p.Gly27249fs (NM_133378.4); c.62628del, p.Gly20877fs (NM_133432.3); c.62829del, p.Gly20944fs (NM_133437.4); short protein forms G20752fs, G20877fs, G20944fs, G27249fs, G28176fs, G29817fs.
Identifiers: ClinVar variation 3759336 (VCV003759336.2).
Genomic context (GRCh38, chr2:178,553,556, plus strand): 5'-ACATACCAAGTATATCTTTAGCTTGTACAGGTTCATTCATTTCTATAGGTTCTCCTTGTC[CA>C]GCACAGTTTACAGCAGATACCCGGAAGTAGTAATTGACTCCAGGTTTCAGGTTGGATACC-3'